The following is an entry in ClinVar:

NM_201384.3(PLEC):c.9420G>A (p.Thr3140=)

Gene: PLEC (plectin; minus strand). Cytogenetic location: 8q24.3.
Variant type: single nucleotide variant.
Coding change: c.9420G>A on transcript NM_201384.3 (MANE Select); coding-DNA position 9420, G replaced by A.
Protein change: p.Thr3140=; no amino-acid change (threonine 3140 retained).
Molecular consequence: synonymous variant.
Genome position (GRCh38, 1-based): chr8:143,920,401, C>T on the plus strand (G>A on the coding strand, the complement: PLEC is on the minus strand). VCF-style: chr8-143920401-C-T. GRCh37 (hg19) VCF-style: chr8-144994569-C-T.
Other names: c.9501G>A, p.Thr3167= (NM_000445.5); c.9378G>A, p.Thr3126= (NM_201378.4); c.9354G>A, p.Thr3118= (NM_201379.3); c.9831G>A, p.Thr3277= (NM_201380.4); c.9324G>A, p.Thr3108= (NM_201381.3); c.9420G>A, p.Thr3140= (NM_201382.4); c.9432G>A, p.Thr3144= (NM_201383.3).
Identifiers: ClinVar variation 659241 (VCV000659241.11), dbSNP rs782338798, ClinGen allele CA4924974.

ClinVar aggregate classification (germline): Likely benign. Review status: criteria provided, multiple submitters, no conflicts (2 of 4 stars). 3 submissions from 3 submitters: Likely benign (3). Last evaluated 2026-01-05.

Conditions:
PLEC-related disorder. Also called: PLEC-related condition; PLEC-related disorders.
Autosomal recessive limb-girdle muscular dystrophy type 2Q (LGMDR17). Also called: MUSCULAR DYSTROPHY, LIMB-GIRDLE, AUTOSOMAL RECESSIVE 17. Identifiers: Orphanet 254361, MedGen C3150989, MONDO:0013390, OMIM 613723.
Epidermolysis bullosa simplex 5B, with muscular dystrophy (EBS5B). Also called: EPIDERMOLYSIS BULLOSA SIMPLEX AND LIMB-GIRDLE MUSCULAR DYSTROPHY; Epidermolysis bullosa simplex with muscular dystrophy. Identifiers: Orphanet 257, MedGen C2931072, MONDO:0009181, OMIM 226670.
Epidermolysis bullosa simplex with nail dystrophy (EBS5D). Identifiers: MedGen C4225309, MONDO:0014661, OMIM 616487.
Epidermolysis bullosa simplex 5C, with pyloric atresia (EBS5C). Also called: PLEC-Related Epidermolysis Bullosa with Pyloric Atresia; Epidermolysis bullosa simplex with pyloric atresia; PLEC1-Related Epidermolysis Bullosa with Pyloric Atresia. Identifiers: Orphanet 158684, MedGen C2677349, MONDO:0012807, OMIM 612138.
Epidermolysis bullosa simplex, Ogna type (EBS5A). Also called: EPIDERMOLYSIS BULLOSA SIMPLEX 5A, OGNA TYPE; Pidermolysis bullosa simplex 5A, Ogna type. Identifiers: Orphanet 79401, MedGen C0432317, MONDO:0007555, OMIM 131950.

Allele frequency attached by ClinVar (database versions not stated): gnomAD exomes below 0.00001 and 0.00003; ExAC 0.00002; TOPMed 0.00004; gnomAD 0.00006.
gnomAD v4.1: 50 of 1,592,648 alleles (0.0031%); highest among the groups gnomAD compares: African/African-American, 0.015%; no homozygotes.

Submissions (3):

Labcorp Genetics (formerly Invitae), Labcorp
Classification: Likely benign for Autosomal recessive limb-girdle muscular dystrophy type 2Q; Epidermolysis bullosa simplex, Ogna type; Epidermolysis bullosa simplex with nail dystrophy; Epidermolysis bullosa simplex 5C, with pyloric atresia; Epidermolysis bullosa simplex 5B, with muscular dystrophy. Last evaluated: 2026-01-05. Review status: criteria provided, single submitter. Criteria: Invitae Variant Classification Sherloc (09022015). Collection method: clinical testing. Allele origin: germline.

PreventionGenetics, part of Exact Sciences
Classification: Likely benign for PLEC-related condition. Last evaluated: 2025-01-30. Review status: criteria provided, single submitter. Criteria: ACMG Guidelines, 2015. Collection method: clinical testing. Allele origin: germline.
Comment: This variant is classified as likely benign based on ACMG/AMP sequence variant interpretation guidelines (Richards et al. 2015 PMID: 25741868, with internal and published modifications).

Blueprint Genetics
Classification: Likely benign. Last evaluated: 2023-08-02. Review status: criteria provided, single submitter. Criteria: ACMG Guidelines, 2015. Collection method: clinical testing. Allele origin: germline.